The following is an entry in ClinVar:

ClinVar aggregate classification (germline): Uncertain significance (1 of 4 stars; one submission).

gnomAD v4.1: 1 of 1,614,104 alleles (0.000062%); highest among the groups gnomAD compares: Non-Finnish European, 0.000085%; no homozygotes.

Submission:

GeneDx
Classification: Uncertain significance. Last evaluated: 2024-09-30. Review status: criteria provided, single submitter. Criteria: GeneDx Variant Classification Process June 2021. Collection method: clinical testing. Allele origin: germline. Affected: yes.
Comment: Identified in a patient with adolescent idiopathic scoliosis (AIS) in published literature (PMID: 24833718); Not observed at significant frequency in large population cohorts (gnomAD); Although located in a calcium-binding EGF-like domain of the FBN2 gene, it does not substitute or introduce a cysteine residue (PMID: 19006240, 18767143); In silico analysis supports that this missense variant has a deleterious effect on protein structure/function; This variant is associated with the following publications: (PMID: 19006240, 18767143, 24833718)

NM_001999.4(FBN2):c.3532G>A (p.Glu1178Lys)

Gene: FBN2 (fibrillin 2; minus strand). Cytogenetic location: 5q23.3.
Variant type: single nucleotide variant.
Coding change: c.3532G>A on transcript NM_001999.4 (MANE Select); coding-DNA position 3532, G replaced by A.
Protein change: p.Glu1178Lys; replaces glutamic acid 1178 with lysine.
Molecular consequence: missense variant.
Genome position (GRCh38, 1-based): chr5:128,338,063, C>T on the plus strand (G>A on the coding strand, the complement: FBN2 is on the minus strand). VCF-style: chr5-128338063-C-T. GRCh37 (hg19) VCF-style: chr5-127673755-C-T.
Other names: short protein forms E1178K.
Identifiers: ClinVar variation 3776327 (VCV003776327.1).